The following is an entry in ClinVar:

NM_001197104.2(KMT2A):c.3629C>T (p.Ala1210Val)

Gene: KMT2A (lysine methyltransferase 2A; plus strand). Cytogenetic location: 11q23.3.
Variant type: single nucleotide variant.
Coding change: c.3629C>T on transcript NM_001197104.2 (MANE Select); coding-DNA position 3629, C replaced by T.
Protein change: p.Ala1210Val; replaces alanine 1210 with valine.
Molecular consequence: missense variant.
Genome position (GRCh38, 1-based): chr11:118,480,233, C>T. VCF-style: chr11-118480233-C-T. GRCh37 (hg19) VCF-style: chr11-118350948-C-T.
Other names: c.3728C>T, p.Ala1243Val (NM_001412597.1); c.3629C>T, p.Ala1210Val (NM_005933.4); short protein forms A1210V, A1243V.
Identifiers: ClinVar variation 2054563 (VCV002054563.4), dbSNP rs2496853053, ClinGen allele CA382826569.

ClinVar aggregate classification (germline): Uncertain significance (1 of 4 stars; one submission).

Submission:

Labcorp Genetics (formerly Invitae), Labcorp
Classification: Uncertain significance. Last evaluated: 2022-04-16. Review status: criteria provided, single submitter. Criteria: Invitae Variant Classification Sherloc (09022015). Collection method: clinical testing. Allele origin: germline.
Comment: In summary, the available evidence is currently insufficient to determine the role of this variant in disease. Therefore, it has been classified as a Variant of Uncertain Significance. Algorithms developed to predict the effect of missense changes on protein structure and function are either unavailable or do not agree on the potential impact of this missense change (SIFT: "Tolerated"; PolyPhen-2: "Possibly Damaging"; Align-GVGD: "Class C0"). This variant has not been reported in the literature in individuals affected with KMT2A-related conditions. This variant is not present in population databases (gnomAD no frequency). This sequence change replaces alanine, which is neutral and non-polar, with valine, which is neutral and non-polar, at codon 1210 of the KMT2A protein (p.Ala1210Val).